The following is an entry in ClinVar:

NM_002458.3(MUC5B):c.14449C>T (p.Arg4817Trp)

Gene: MUC5B (mucin 5B, oligomeric mucus/gel-forming; plus strand). Cytogenetic location: 11p15.5.
Variant type: single nucleotide variant.
Coding change: c.14449C>T on transcript NM_002458.3 (MANE Select); coding-DNA position 14449, C replaced by T.
Protein change: p.Arg4817Trp; replaces arginine 4817 with tryptophan.
Molecular consequence: missense variant.
Genome position (GRCh38, 1-based): chr11:1,251,329, C>T. VCF-style: chr11-1251329-C-T. GRCh37 (hg19) VCF-style: chr11-1272559-C-T.
Other names: c.14449C>T (NM_002458.2); short protein forms R4817W.
Identifiers: ClinVar variation 2641307 (VCV002641307.25), dbSNP rs61742789, ClinGen allele CA5808678.

ClinVar aggregate classification (germline): Conflicting classifications of pathogenicity. Review status: criteria provided, conflicting classifications (1 of 4 stars). 2 submissions from 2 submitters: Uncertain significance (1); Likely benign (1). Last evaluated 2026-01-01.

Allele frequency attached by ClinVar (database versions not stated): ExAC 0.00027; gnomAD exomes 0.00045; 1000 Genomes Project 30x 0.00047; gnomAD 0.00060; ESP Exome Variant Server 0.00195; 1000 Genomes Project 0.00399.

Submissions (2):

CeGaT Center for Human Genetics Tuebingen
Classification: Likely benign. Last evaluated: 2026-01-01. Review status: criteria provided, single submitter. Criteria: CeGaT Center For Human Genetics Tuebingen Variant Classification Criteria Version 2. Collection method: clinical testing. Allele origin: germline. Affected: yes. Observed: 6 variant alleles.
Comment: MUC5B: BP4, BS2

Ambry Genetics
Classification: Uncertain significance. Last evaluated: 2025-08-10. Review status: criteria provided, single submitter. Criteria: Ambry Variant Classification Scheme 2023. Collection method: clinical testing. Allele origin: germline.